The following is an entry in ClinVar:

NM_000277.3(PAH):c.232G>C (p.Glu78Gln)

Gene: PAH (phenylalanine hydroxylase; minus strand). Cytogenetic location: 12q23.2.
Variant type: single nucleotide variant.
Coding change: c.232G>C on transcript NM_000277.3 (MANE Select); coding-DNA position 232, G replaced by C.
Protein change: p.Glu78Gln; replaces glutamic acid 78 with glutamine.
Molecular consequence: missense variant.
Genome position (GRCh38, 1-based): chr12:102,894,855, C>G on the plus strand (G>C on the coding strand, the complement: PAH is on the minus strand). VCF-style: chr12-102894855-C-G. GRCh37 (hg19) VCF-style: chr12-103288633-C-G.
Other names: c.232G>C, p.Glu78Gln (NM_001354304.2); short protein forms E78Q.
Identifiers: ClinVar variation 872830 (VCV000872830.1), dbSNP rs62507326, ClinGen allele CA16020754.
Genomic context (GRCh38, chr12:102,894,855, plus strand): 5'-AGATCTTGATGATGTTTGTCAGAGCAGGCAGGCTACGTTTATCCAAATGGGTGAAAAATT[C>G]ATACTCATCTTTCTTTAAACGAGAAGGTCTAGATTCAATGTGGGTCAGGTTTACATCATT-3'
Protein context (NP_000268.1, residues 68-88): RPSRLKKDEY[Glu78Gln]FFTHLDKRSL

ClinVar aggregate classification (germline): Uncertain significance (3 of 4 stars; one submission).

Conditions:
Phenylketonuria (PKU). Also called: FOLLING DISEASE; Phenylketonuria (PKU); OLIGOPHRENIA PHENYLPYRUVICA; Phenylketonurias. Identifiers: Orphanet 716, MedGen C0031485, MONDO:0009861, OMIM 261600. Disease mechanism: loss of function.

Submission:

ClinGen PAH Variant Curation Expert Panel
Classification: Uncertain significance for Phenylketonuria. Last evaluated: 2019-11-10. Review status: reviewed by expert panel. Criteria: ClinGen PAH ACMG Specifications v1. Collection method: curation. Allele origin: germline. Inheritance: Autosomal recessive inheritance.
Comment: The c.232G>C (p.Glu78Gln) variant in PAH has been reported in a patient with PAH deficiecy (BH4 deficiency excluded) (PP4_Moderate; PMID: 26503515) This variant is absent from 1000G, ESP, ExAC and gnomAD (PM2). A deleterious effect is predicted in SIFT, Polyphen-2, MutationTaster. In summary, this variant meets criteria to be classified as uncertain significance for PAH. PAH-specific ACMG/AMP criteria applied: PP4_Moderate, PM2, PP3.

Literature cited by the submitters: PubMed 26503515.